The following is an entry in ClinVar:

NM_000448.3(RAG1):c.86A>G (p.Lys29Arg)

Gene: RAG1 (recombination activating 1; plus strand). Cytogenetic location: 11p12.
Variant type: single nucleotide variant.
Coding change: c.86A>G on transcript NM_000448.3 (MANE Select); coding-DNA position 86, A replaced by G.
Protein change: p.Lys29Arg; replaces lysine 29 with arginine.
Molecular consequence: missense variant.
Genome position (GRCh38, 1-based): chr11:36,573,390, A>G. VCF-style: chr11-36573390-A-G. GRCh37 (hg19) VCF-style: chr11-36594940-A-G.
Other names: NM_000448.3(RAG1):c.86A>G; p.Lys29Arg; c.86A>G, p.Lys29Arg (NM_001377277.1, NM_001377278.1, NM_001377279.1 and 1 more transcripts); short protein forms K29R.
Identifiers: ClinVar variation 2079766 (VCV002079766.2), dbSNP rs756679254, ClinGen allele CA5949900.

ClinVar aggregate classification (germline): Uncertain significance. Review status: reviewed by expert panel (3 of 4 stars). 2 submissions from 2 submitters: Uncertain significance (1). 1 of the submissions does not count toward it. Last evaluated 2024-04-23.

Conditions:
Recombinase activating gene 1 deficiency. Identifiers: MedGen CN375631, MONDO:0000572.
Combined immunodeficiency with skin granulomas. Identifiers: Orphanet 157949, MedGen C2673536, MONDO:0009306, OMIM 233650.
Severe combined immunodeficiency, autosomal recessive, T cell-negative, B cell-negative, NK cell-positive. Also called: Severe combined immunodeficiency due to complete RAG1/2 deficiency; SCID, T CELL-NEGATIVE, B CELL-NEGATIVE, NK CELL-POSITIVE; SCID, AR, T-cell negative, B-cell negative, NK cell-positive. Identifiers: Orphanet 331206, MedGen C1832322, MONDO:0011086, OMIM 601457.

Allele frequency attached by ClinVar (database versions not stated): gnomAD exomes below 0.00001; TOPMed below 0.00001; ExAC 0.00001.
gnomAD v4.1: 5 of 1,614,114 alleles (0.00031%); highest among the groups gnomAD compares: Non-Finnish European, 0.00042%; no homozygotes.

Submissions (2):

ClinGen Severe Combined Immunodeficiency Variant Curation Expert Panel, ClinGen
Classification: Uncertain significance for Recombinase activating gene 1 deficiency. Last evaluated: 2024-04-23. Review status: reviewed by expert panel. Criteria: ClinGen SCID ACMG Specifications RAG1 V1.0.0. Collection method: curation. Allele origin: germline. Inheritance: Autosomal recessive inheritance.
Comment: The NM_000448.3:c.86A>G variant in RAG1 is a missense variant predicted to cause a substitution of lysine by arginine at amino acid 29 (p.Lys29Arg). The Popmax filtering allele frequency of this variant in gnomAD v2.1.1 is 0.00000702, which is lower than the SCID-VCEP’s threshold for PM2 (<0.000102). No homozygous individual has been observed in the gnomAD v2.1.1 (PM2_Supporting). This variant has not been reported in the literature in individuals with SCID. In ClinVar, the variant was reported in two affected individuals who didn't have a second RAG1 variant, and the variant was classified as a Variant of Uncertain Significance (Invitae, SCV003292718.1). There is no functional evidence for this variant. Due to insufficient evidence, this variant is classified as a variant of uncertain significance for SCID. ACMG/AMP criteria applied, as specified by the ClinGen SCID-VCEP: PM2_supporting (SCID VCEP specifications version 1.0).

Labcorp Genetics (formerly Invitae), Labcorp
Classification: Uncertain significance for Combined immunodeficiency with skin granulomas; Severe combined immunodeficiency, autosomal recessive, T cell-negative, B cell-negative, NK cell-positive. Last evaluated: 2024-06-19. Review status: criteria provided, single submitter. Criteria: Invitae Variant Classification Sherloc (09022015). Collection method: clinical testing. Allele origin: germline. Not counted in ClinVar's aggregate classification.
Comment: This sequence change replaces lysine, which is basic and polar, with arginine, which is basic and polar, at codon 29 of the RAG1 protein (p.Lys29Arg). This variant is present in population databases (rs756679254, gnomAD 0.003%). This variant has not been reported in the literature in individuals affected with RAG1-related conditions. ClinVar contains an entry for this variant (Variation ID: 2079766). Advanced modeling of protein sequence and biophysical properties (such as structural, functional, and spatial information, amino acid conservation, physicochemical variation, residue mobility, and thermodynamic stability) performed at Invitae indicates that this missense variant is expected to disrupt RAG1 protein function with a positive predictive value of 95%. In summary, the available evidence is currently insufficient to determine the role of this variant in disease. Therefore, it has been classified as a Variant of Uncertain Significance.